The following is an entry in ClinVar:

ClinVar aggregate classification (germline): Likely benign (1 of 4 stars; one submission).

Allele frequency attached by ClinVar (database versions not stated): gnomAD 0.00088; ExAC 0.01965.

Submission:

CeGaT Center for Human Genetics Tuebingen
Classification: Likely benign. Last evaluated: 2023-08-01. Review status: criteria provided, single submitter. Criteria: CeGaT Center For Human Genetics Tuebingen Variant Classification Criteria Version 2. Collection method: clinical testing. Allele origin: germline. Affected: yes. Observed: 1 variant allele.
Comment: MUC6: BP4, BP7

NM_005961.3(MUC6):c.5976C>T (p.Thr1992=)

Gene: MUC6 (mucin 6, oligomeric mucus/gel-forming (gene/pseudogene); minus strand). Cytogenetic location: 11p15.5.
Variant type: single nucleotide variant.
Coding change: c.5976C>T on transcript NM_005961.3 (MANE Select); coding-DNA position 5976, C replaced by T.
Protein change: p.Thr1992=; no amino-acid change (threonine 1992 retained).
Molecular consequence: synonymous variant.
Genome position (GRCh38, 1-based): chr11:1,016,825, G>A on the plus strand (C>T on the coding strand, the complement: MUC6 is on the minus strand). VCF-style: chr11-1016825-G-A. GRCh37 (hg19) VCF-style: chr11-1016825-G-A.
Identifiers: ClinVar variation 2641101 (VCV002641101.24), dbSNP rs775937889, ClinGen allele CA5795191.